The following is an entry in ClinVar:

ClinVar aggregate classification (germline): Uncertain significance (1 of 4 stars; one submission).

Conditions:
Houge-Janssens syndrome 2. Also called: Microcephaly-corpus callosum hypoplasia-intellectual disability-facial dysmorphism syndrome; INTELLECTUAL DEVELOPMENTAL DISORDER, AUTOSOMAL DOMINANT 36; PPP2R1A-Related Neurodevelopmental Disorder. Identifiers: Orphanet 457284, MedGen C4225352, MONDO:0014605, OMIM 616362.

Submission:

MVZ Medizinische Genetik Mainz
Classification: Uncertain significance for Houge-Janssens syndrome 2. Last evaluated: 2022-08-15. Review status: criteria provided, single submitter. Criteria: UK Practice Guidelines For Variant Classification V4 01 2020. Collection method: clinical testing. Allele origin: germline. Inheritance: Autosomal dominant inheritance. Affected: yes. Observed: 1 variant allele.
Comment: ACMG Criteria: PM2_SUP, PP2

NM_014225.6(PPP2R1A):c.737C>G (p.Pro246Arg)

Gene: PPP2R1A (protein phosphatase 2 scaffold subunit Aalpha; plus strand). Cytogenetic location: 19q13.41.
Variant type: single nucleotide variant.
Coding change: c.737C>G on transcript NM_014225.6 (MANE Select); coding-DNA position 737, C replaced by G.
Protein change: p.Pro246Arg; replaces proline 246 with arginine.
Molecular consequence: missense variant. On other transcripts: non-coding transcript variant (1).
Genome position (GRCh38, 1-based): chr19:52,213,040, C>G. VCF-style: chr19-52213040-C-G. GRCh37 (hg19) VCF-style: chr19-52716293-C-G.
Other names: c.200C>G, p.Pro67Arg (NM_001363656.2); short protein forms P246R, P67R.
Identifiers: ClinVar variation 3236012 (VCV003236012.1), dbSNP rs2122338423, ClinGen allele CA407184736.
Genomic context (GRCh38, chr19:52,213,040, plus strand): 5'-AGGCGTGCGTGAACATCGCCCAGCTTCTGCCCCAGGAGGATCTGGAGGCCCTGGTGATGC[C>G]CACTCTGCGCCAGGCCGCTGAAGACAAGTCCTGGCGCGTCCGCTACATGGTGGCTGACAA-3'
Protein context (NP_055040.2, residues 236-256): PQEDLEALVM[Pro246Arg]TLRQAAEDKS